The following is an entry in ClinVar:

ClinVar aggregate classification (germline): Uncertain significance (1 of 4 stars; one submission).

Conditions:
Muscular dystrophy-dystroglycanopathy (congenital with brain and eye anomalies), type A, 7. Also called: WALKER-WARBURG SYNDROME OR MUSCLE-EYE-BRAIN DISEASE, ISPD-RELATED; Congenital muscular dystrophy-dystroglycanopathy with brain and eye anomalies, type A7. Identifiers: Orphanet 899, MedGen C3553330, MONDO:0013835, OMIM 614643.
Autosomal recessive limb-girdle muscular dystrophy type 2U. Also called: Muscular dystrophy-dystroglycanopathy (limb-girdle), type c, 7; MUSCULAR DYSTROPHY, LIMB-GIRDLE, TYPE 2U. Identifiers: Orphanet 352479, MedGen C5190987, MONDO:0014474, OMIM 616052.

Allele frequency attached by ClinVar (database versions not stated): gnomAD exomes below 0.00001 and 0.00001; ExAC 0.00001; gnomAD 0.00001; TOPMed 0.00001.
gnomAD v4.1: 4 of 1,612,328 alleles (0.00025%); highest among the groups gnomAD compares: Non-Finnish European, 0.00025%; no homozygotes.

Submission:

Labcorp Genetics (formerly Invitae), Labcorp
Classification: Uncertain significance for Muscular dystrophy-dystroglycanopathy (congenital with brain and eye anomalies), type A, 7; Autosomal recessive limb-girdle muscular dystrophy type 2U. Last evaluated: 2021-03-07. Review status: criteria provided, single submitter. Criteria: Invitae Variant Classification Sherloc (09022015). Collection method: clinical testing. Allele origin: germline.
Comment: This variant is present in population databases (rs747435762, ExAC 0.002%). This sequence change replaces glycine with alanine at codon 178 of the ISPD protein (p.Gly178Ala). The glycine residue is highly conserved and there is a small physicochemical difference between glycine and alanine. This variant has not been reported in the literature in individuals with ISPD-related conditions. Algorithms developed to predict the effect of missense changes on protein structure and function (SIFT, PolyPhen-2, Align-GVGD) all suggest that this variant is likely to be disruptive, but these predictions have not been confirmed by published functional studies and their clinical significance is uncertain. In summary, the available evidence is currently insufficient to determine the role of this variant in disease. Therefore, it has been classified as a Variant of Uncertain Significance.

NM_001101426.4(CRPPA):c.533G>C (p.Gly178Ala)

Gene: CRPPA (CDP-L-ribitol pyrophosphorylase A; minus strand). Cytogenetic location: 7p21.2.
Variant type: single nucleotide variant.
Coding change: c.533G>C on transcript NM_001101426.4 (MANE Select); coding-DNA position 533, G replaced by C.
Protein change: p.Gly178Ala; replaces glycine 178 with alanine.
Molecular consequence: missense variant. On other transcripts: non-coding transcript variant (1).
Genome position (GRCh38, 1-based): chr7:16,406,062, C>G on the plus strand (G>C on the coding strand, the complement: CRPPA is on the minus strand). VCF-style: chr7-16406062-C-G. GRCh37 (hg19) VCF-style: chr7-16445687-C-G.
Other names: c.533G>C, p.Gly178Ala (NM_001101417.4, NM_001368197.1); short protein forms G178A.
Identifiers: ClinVar variation 1680786 (VCV001680786.8), dbSNP rs747435762, ClinGen allele CA4169589.
Genomic context (GRCh38, chr7:16,406,062, plus strand): 5'-CAAATGAACCACACTACAGTGCTTGTCCCTTCTATCTAGACTCAAGAAAAAAGACTTACC[C>G]CGTGTTCCTTAGCAGCTGTGACAACTTTAAGAAGGACACCTTCCTCAACAAATGGTCTCA-3'
Protein context (NP_001094896.1, residues 168-188): LKVVTAAKEH[Gly178Ala]AAGAIRPLVS